The following is an entry in ClinVar:

NM_001184880.2(PCDH19):c.103G>C (p.Ala35Pro)

Gene: PCDH19 (protocadherin 19; minus strand). Cytogenetic location: Xq22.1.
Variant type: single nucleotide variant.
Coding change: c.103G>C on transcript NM_001184880.2 (MANE Select); coding-DNA position 103, G replaced by C.
Protein change: p.Ala35Pro; replaces alanine 35 with proline.
Molecular consequence: missense variant.
Genome position (GRCh38, 1-based): chrX:100,408,495, C>G on the plus strand (G>C on the coding strand, the complement: PCDH19 is on the minus strand). VCF-style: chrX-100408495-C-G. GRCh37 (hg19) VCF-style: chrX-99663493-C-G.
Other names: c.103G>C, p.Ala35Pro (NM_001105243.2, NM_020766.3); short protein forms A35P.
Identifiers: ClinVar variation 1515558 (VCV001515558.8), dbSNP rs2147542686, ClinGen allele CA414011368.
Genomic context (GRCh38, chrX:100,408,495, plus strand): 5'-GGTCCAGCGCGAAGCCCGCCTCTCGCGCGTCTTTGGCCACGTTGGCAATCACCGTCCCGG[C>G]GCGCTGCTCCTCTTCTACCGAGTACTTGAGATTAATGAGGGCGGCAGCCTGCGTCCACAG-3'
Protein context (NP_001171809.1, residues 25-45): LKYSVEEEQR[Ala35Pro]GTVIANVAKD

ClinVar aggregate classification (germline): Uncertain significance (1 of 4 stars; one submission).

Conditions:
Developmental and epileptic encephalopathy, 9 (DEE9). Also called: Early infantile epileptic encephalopathy 9; JUBERG-HELLMAN SYNDROME; EPILEPSY, FEMALE-RESTRICTED, WITH MENTAL RETARDATION; PCDH19-Related X-Linked Female-Limited Epilepsy with Mental Retardation. Identifiers: Orphanet 101039, Orphanet 2076, MedGen C1848137, MONDO:0010246, OMIM 300088. Disease mechanism: loss of function.

Submission:

Labcorp Genetics (formerly Invitae), Labcorp
Classification: Uncertain significance for Developmental and epileptic encephalopathy, 9. Last evaluated: 2021-01-08. Review status: criteria provided, single submitter. Criteria: Invitae Variant Classification Sherloc (09022015). Collection method: clinical testing. Allele origin: germline.
Comment: Advanced modeling of protein sequence and biophysical properties (such as structural, functional, and spatial information, amino acid conservation, physicochemical variation, residue mobility, and thermodynamic stability) performed at Invitae indicates that this missense variant is not expected to disrupt PCDH19 protein function. This variant has not been reported in the literature in individuals with PCDH19-related conditions. This variant is not present in population databases (ExAC no frequency). This sequence change replaces alanine with proline at codon 35 of the PCDH19 protein (p.Ala35Pro). The alanine residue is moderately conserved and there is a small physicochemical difference between alanine and proline. In summary, the available evidence is currently insufficient to determine the role of this variant in disease. Therefore, it has been classified as a Variant of Uncertain Significance.